The following is an entry in ClinVar:

ClinVar aggregate classification (germline): Uncertain significance (1 of 4 stars; one submission).

Allele frequency attached by ClinVar (database versions not stated): gnomAD exomes below 0.00001 and 0.00001; gnomAD 0.00001; ESP Exome Variant Server 0.00008.
gnomAD v4.1: 11 of 1,614,090 alleles (0.00068%); highest among the groups gnomAD compares: South Asian, 0.0044%; no homozygotes.

Submission:

Labcorp Genetics (formerly Invitae), Labcorp
Classification: Uncertain significance. Last evaluated: 2025-06-10. Review status: criteria provided, single submitter. Criteria: Invitae Variant Classification Sherloc (09022015). Collection method: clinical testing. Allele origin: germline.
Comment: This sequence change replaces asparagine, which is neutral and polar, with serine, which is neutral and polar, at codon 357 of the SIAE protein (p.Asn357Ser). This variant is present in population databases (rs144430729, gnomAD 0.003%). This variant has not been reported in the literature in individuals affected with SIAE-related conditions. ClinVar contains an entry for this variant (Variation ID: 1490990). An algorithm developed to predict the effect of missense changes on protein structure and function outputs the following: PolyPhen-2: "Benign". The serine amino acid residue is found in multiple mammalian species, which suggests that this missense change does not adversely affect protein function. In summary, the available evidence is currently insufficient to determine the role of this variant in disease. Therefore, it has been classified as a Variant of Uncertain Significance.

NM_170601.5(SIAE):c.1070A>G (p.Asn357Ser)

Gene: SIAE (sialic acid acetylesterase; minus strand). Cytogenetic location: 11q24.2.
Variant type: single nucleotide variant.
Coding change: c.1070A>G on transcript NM_170601.5 (MANE Select); coding-DNA position 1070, A replaced by G.
Protein change: p.Asn357Ser; replaces asparagine 357 with serine.
Molecular consequence: missense variant.
Genome position (GRCh38, 1-based): chr11:124,639,764, T>C on the plus strand (A>G on the coding strand, the complement: SIAE is on the minus strand). VCF-style: chr11-124639764-T-C. GRCh37 (hg19) VCF-style: chr11-124509660-T-C.
Other names: c.965A>G, p.Asn322Ser (NM_001199922.2); short protein forms N322S, N357S.
Identifiers: ClinVar variation 1490990 (VCV001490990.6), dbSNP rs144430729, ClinGen allele CA230385647.